The following is an entry in ClinVar:

ClinVar aggregate classification (germline): Uncertain significance (1 of 4 stars; one submission).

Allele frequency attached by ClinVar (database versions not stated): TOPMed below 0.00001; gnomAD 0.00001.
gnomAD v4.1: 7 of 1,153,472 alleles (0.00061%); highest among the groups gnomAD compares: Non-Finnish European, 0.00082%; no homozygotes.

Submission:

Labcorp Genetics (formerly Invitae), Labcorp
Classification: Uncertain significance. Last evaluated: 2022-06-28. Review status: criteria provided, single submitter. Criteria: Invitae Variant Classification Sherloc (09022015). Collection method: clinical testing. Allele origin: germline.
Comment: In summary, the available evidence is currently insufficient to determine the role of this variant in disease. Therefore, it has been classified as a Variant of Uncertain Significance. Algorithms developed to predict the effect of missense changes on protein structure and function are either unavailable or do not agree on the potential impact of this missense change (SIFT: "Deleterious"; PolyPhen-2: "Possibly Damaging"; Align-GVGD: "Class C0"). This variant has not been reported in the literature in individuals affected with BRD4-related conditions. This variant is not present in population databases (gnomAD no frequency). This sequence change replaces proline, which is neutral and non-polar, with histidine, which is basic and polar, at codon 956 of the BRD4 protein (p.Pro956His).

NM_001379291.1(BRD4):c.2867C>A (p.Pro956His)

Gene: BRD4 (bromodomain containing 4; minus strand). Cytogenetic location: 19p13.12.
Variant type: single nucleotide variant.
Coding change: c.2867C>A on transcript NM_001379291.1 (MANE Select); coding-DNA position 2867, C replaced by A.
Protein change: p.Pro956His; replaces proline 956 with histidine.
Molecular consequence: missense variant.
Genome position (GRCh38, 1-based): chr19:15,243,202, G>T on the plus strand (C>A on the coding strand, the complement: BRD4 is on the minus strand). VCF-style: chr19-15243202-G-T. GRCh37 (hg19) VCF-style: chr19-15354013-G-T.
Other names: c.2867C>A, p.Pro956His (NM_058243.3); short protein forms P956H.
Identifiers: ClinVar variation 2413672 (VCV002413672.6), dbSNP rs2047254592, ClinGen allele CA404504423.